The following is an entry in ClinVar:

ClinVar aggregate classification (germline): Uncertain significance (1 of 4 stars; one submission).

Submission:

GeneDx
Classification: Uncertain significance. Last evaluated: 2022-01-05. Review status: criteria provided, single submitter. Criteria: GeneDx Variant Classification Process June 2021. Collection method: clinical testing. Allele origin: germline. Affected: yes.
Comment: Not observed at significant frequency in large population cohorts (gnomAD); In silico analysis supports that this missense variant has a deleterious effect on protein structure/function; Has not been previously published as pathogenic or benign to our knowledge

NM_181458.4(PAX3):c.731C>A (p.Pro244His)

Gene: PAX3 (paired box 3; minus strand). Cytogenetic location: 2q36.1.
Variant type: single nucleotide variant.
Coding change: c.731C>A on transcript NM_181458.4 (MANE Select); coding-DNA position 731, C replaced by A.
Protein change: p.Pro244His; replaces proline 244 with histidine.
Molecular consequence: missense variant.
Genome position (GRCh38, 1-based): chr2:222,232,139, G>T on the plus strand (C>A on the coding strand, the complement: PAX3 is on the minus strand). VCF-style: chr2-222232139-G-T. GRCh37 (hg19) VCF-style: chr2-223096858-G-T.
Other names: c.728C>A, p.Pro243His (NM_001127366.3); c.731C>A, p.Pro244His (NM_181457.4, NM_181459.4, NM_181460.4 and 1 more transcripts); short protein forms P243H, P244H.
Identifiers: ClinVar variation 1695782 (VCV001695782.2), dbSNP rs777246206, ClinGen allele CA351112345.